The following is an entry in ClinVar:

NM_001111.5(ADAR):c.593C>A (p.Ala198Glu)

Gene: ADAR (adenosine deaminase RNA specific; minus strand). Cytogenetic location: 1q21.3.
Variant type: single nucleotide variant.
Coding change: c.593C>A on transcript NM_001111.5 (MANE Select); coding-DNA position 593, C replaced by A.
Protein change: p.Ala198Glu; replaces alanine 198 with glutamic acid.
Molecular consequence: missense variant. On other transcripts: 5 prime UTR variant (6).
Genome position (GRCh38, 1-based): chr1:154,602,049, G>T on the plus strand (C>A on the coding strand, the complement: ADAR is on the minus strand). VCF-style: chr1-154602049-G-T. GRCh37 (hg19) VCF-style: chr1-154574525-G-T.
Other names: c.-293C>A (NM_001365048.1, NM_001365049.1, NM_001025107.3 and 3 more transcripts); c.593C>A, p.Ala198Glu (NM_015840.4, NM_015841.4); c.620C>A, p.Ala207Glu (NM_001365045.1); short protein forms A207E, A198E.
Identifiers: ClinVar variation 2932279 (VCV002932279.3), dbSNP rs760911897, ClinGen allele CA342600975.
Genomic context (GRCh38, chr1:154,602,049, plus strand): 5'-TGGCTATGACCGTCTGGTCTTACCACTCCGCTGTGCTGGTTCCAAGCCTGAGTGGAGACC[G>T]CGATTTTCCACAAAGGGGGTGTTCCTGCCTCTTTCTGTAGCTTGCCCTTCTTTGCCAGGG-3'
Protein context (NP_001102.3, residues 188-208): EAGTPPLWKI[Ala198Glu]VSTQAWNQHS

ClinVar aggregate classification (germline): Uncertain significance (1 of 4 stars; one submission).

Conditions:
Symmetrical dyschromatosis of extremities (DSH). Also called: DYSCHROMATOSIS SYMMETRICA HEREDITARIA 1; RETICULATE ACROPIGMENTATION OF DOHI; SYMMETRIC DYSCHROMATOSIS OF THE EXTREMITIES; Dyschromatosis symmetrica hereditaria. Identifiers: Orphanet 41, MedGen C0406775, MONDO:0007483, OMIM 127400.
Aicardi-Goutieres syndrome 6 (AGS6). Identifiers: Orphanet 51, MedGen C3539013, MONDO:0014007, OMIM 615010.

Submission:

Labcorp Genetics (formerly Invitae), Labcorp
Classification: Uncertain significance for Aicardi-Goutieres syndrome 6; Symmetrical dyschromatosis of extremities. Last evaluated: 2023-05-06. Review status: criteria provided, single submitter. Criteria: Invitae Variant Classification Sherloc (09022015). Collection method: clinical testing. Allele origin: germline.
Comment: This sequence change replaces alanine, which is neutral and non-polar, with glutamic acid, which is acidic and polar, at codon 198 of the ADAR protein (p.Ala198Glu). This variant is not present in population databases (gnomAD no frequency). This variant has not been reported in the literature in individuals affected with ADAR-related conditions. An algorithm developed to predict the effect of missense changes on protein structure and function (PolyPhen-2) suggests that this variant is likely to be disruptive. In summary, the available evidence is currently insufficient to determine the role of this variant in disease. Therefore, it has been classified as a Variant of Uncertain Significance.